The following is an entry in ClinVar:

GRCh38/hg38 8p23.3(chr8:241530-764384)x1

Genes: DLGAP2 (DLG associated protein 2; plus strand), ERICH1 (glutamate rich 1; minus strand), FAM87A (family with sequence similarity 87 member A; minus strand), FBXO25 (F-box protein 25; plus strand), TDRP (testis development related protein; minus strand) and 10 more. Cytogenetic location: 8p23.3.
Variant type: copy number loss.
Change: copy number 1 (one copy instead of two) of chr8:241,530-764,384 (522.9 kb, GRCh38 coordinates, 1-based), cytogenetic band 8p23.3.
Identifiers: ClinVar variation 57012 (VCV000057012.1).

ClinVar aggregate classification (germline): Pathogenic (1 of 4 stars; one submission).

Submission:

ISCA site 4
Classification: Pathogenic. Last evaluated: 2011-08-12. Review status: criteria provided, single submitter. Criteria: Kaminsky et al. (Genet Med. 2011). Collection method: clinical testing. Allele origin: de novo. Affected: yes. Observed: 1 variant allele.
Comment: Copy number variation identified through the course of routine clinical cytogenomic testing in postnatal populations. Clinical assertions have been curated as described in Kaminsky et al. 2011.